The following is an entry in ClinVar:

ClinVar aggregate classification (germline): Uncertain significance (1 of 4 stars; one submission).

Conditions:
Inborn genetic diseases. Identifiers: MedGen C0950123, MeSH D030342.

Submission:

Ambry Genetics
Classification: Uncertain significance for Inborn genetic diseases. Last evaluated: 2026-06-04. Review status: criteria provided, single submitter. Criteria: Ambry Variant Classification Scheme 2023. Collection method: clinical testing. Allele origin: germline.
Comment: The p.T15I variant (also known as c.44C>T), located in coding exon 1 of the PAX5 gene, results from a C to T substitution at nucleotide position 44. The threonine at codon 15 is replaced by isoleucine, an amino acid with similar properties. This amino acid position is conserved. In addition, the in silico prediction for this alteration is inconclusive. Based on the available evidence, the clinical significance of this variant remains unclear.

NM_016734.3(PAX5):c.44C>T (p.Thr15Ile)

Gene: PAX5 (paired box 5; minus strand). Cytogenetic location: 9p13.2.
Variant type: single nucleotide variant.
Coding change: c.44C>T on transcript NM_016734.3 (MANE Select); coding-DNA position 44, C replaced by T.
Protein change: p.Thr15Ile; replaces threonine 15 with isoleucine.
Molecular consequence: missense variant. On other transcripts: non-coding transcript variant (2), 5 prime UTR variant (2).
Genome position (GRCh38, 1-based): chr9:37,033,988, G>A on the plus strand (C>T on the coding strand, the complement: PAX5 is on the minus strand). VCF-style: chr9-37033988-G-A. GRCh37 (hg19) VCF-style: chr9-37033985-G-A.
Other names: c.44C>T, p.Thr15Ile (NM_001280547.2, NM_001280548.2, NM_001280549.2 and 5 more transcripts); c.-115C>T (NM_001280551.2, NM_001280556.2); short protein forms T15I.
Identifiers: ClinVar variation 4861623 (VCV004861623.1).